The following is an entry in ClinVar:

NM_006270.5(RRAS):c.1A>G (p.Met1Val)

Gene: RRAS (RAS related; minus strand). Cytogenetic location: 19q13.33.
Variant type: single nucleotide variant.
Coding change: c.1A>G on transcript NM_006270.5 (MANE Select); coding-DNA position 1, A replaced by G.
Protein change: p.Met1Val; changes the start codon (methionine 1).
Molecular consequence: missense variant, initiator codon variant.
Genome position (GRCh38, 1-based): chr19:49,640,098, T>C on the plus strand (A>G on the coding strand, the complement: RRAS is on the minus strand). VCF-style: chr19-49640098-T-C. GRCh37 (hg19) VCF-style: chr19-50143355-T-C.
Other names: short protein forms M1V.
Identifiers: ClinVar variation 1964490 (VCV001964490.6), dbSNP rs934417178, ClinGen allele CA309508483.

ClinVar aggregate classification (germline): Uncertain significance (1 of 4 stars; one submission).

Conditions:
Noonan syndrome (NS). Also called: Noonan's syndrome. Identifiers: Orphanet 648, MedGen C0028326, MeSH D009634, MONDO:0018997. Disease mechanism: gain of function.

Submission:

Labcorp Genetics (formerly Invitae), Labcorp
Classification: Uncertain significance for Noonan syndrome. Last evaluated: 2022-06-14. Review status: criteria provided, single submitter. Criteria: Invitae Variant Classification Sherloc (09022015). Collection method: clinical testing. Allele origin: germline.
Comment: In summary, the available evidence is currently insufficient to determine the role of this variant in disease. Therefore, it has been classified as a Variant of Uncertain Significance. Algorithms developed to predict the effect of sequence changes on RNA splicing suggest that this variant may create or strengthen a splice site. This variant has not been reported in the literature in individuals affected with RRAS-related conditions. This variant is not present in population databases (gnomAD no frequency). This sequence change affects the initiator methionine of the RRAS mRNA. The next in-frame methionine is located at codon 93.